The following is an entry in ClinVar:

ClinVar aggregate classification (germline): Pathogenic. Review status: criteria provided, single submitter (1 of 4 stars). 2 submissions from 2 submitters: Pathogenic (1). 1 of the submissions does not count toward it. Last evaluated 2022-08-05.

Conditions:
FANCA-related disorder. Also called: FANCA-related condition.
Fanconi anemia (FA). Also called: Fanconi's anemia. Identifiers: Orphanet 84, MedGen C0015625, MeSH D005199, MONDO:0019391.

Submissions (2):

Labcorp Genetics (formerly Invitae), Labcorp
Classification: Pathogenic for Fanconi anemia. Last evaluated: 2022-08-05. Review status: criteria provided, single submitter. Criteria: Invitae Variant Classification Sherloc (09022015). Collection method: clinical testing. Allele origin: germline.
Comment: This variant has not been reported in the literature in individuals affected with FANCA-related conditions. For these reasons, this variant has been classified as Pathogenic. This variant is not present in population databases (gnomAD no frequency). This sequence change creates a premature translational stop signal (p.Ile1101Thrfs*14) in the FANCA gene. It is expected to result in an absent or disrupted protein product. Loss-of-function variants in FANCA are known to be pathogenic (PMID: 19367192).

PreventionGenetics, part of Exact Sciences
Classification: Likely pathogenic for FANCA-related condition. Last evaluated: 2024-04-18. Review status: no assertion criteria provided. Collection method: clinical testing. Allele origin: germline. Not counted in ClinVar's aggregate classification.
Comment: The FANCA c.3302_3308del7 variant is predicted to result in a frameshift and premature protein termination (p.Ile1101Thrfs*14). To our knowledge, this variant has not been reported in the literature or in a large population database, indicating this variant is rare. Frameshift variants in FANCA are expected to be pathogenic. This variant is interpreted as likely pathogenic.

Literature cited by the submitters: PubMed 19367192 (cited by Labcorp Genetics (formerly Invitae), Labcorp).

NM_000135.4(FANCA):c.3302_3308del (p.Ile1101fs)

Gene: FANCA (FA complementation group A; minus strand). Cytogenetic location: 16q24.3.
Variant type: Deletion.
Coding change: c.3302_3308del on transcript NM_000135.4 (MANE Select); coding-DNA positions 3302 to 3308, 7 bases deleted (TCACTGC; older notation c.3302_3308delTCACTGC).
Protein change: p.Ile1101fs; shifts the reading frame from isoleucine 1101.
Molecular consequence: frameshift variant.
Genome position (GRCh38, 1-based): chr16:89,748,699-89,748,705, GCAGTGA deleted on the plus strand (TCACTGC on the coding strand, the reverse complement: FANCA is on the minus strand). VCF-style (leftmost placement, unchanged base first): chr16-89748698-GGCAGTGA-G. GRCh37 (hg19) VCF-style: chr16-89815106-GGCAGTGA-G.
Other names: c.3302_3308del7 (NM_000135.2); c.3302_3308del, p.Ile1101fs (NM_001286167.3); short protein forms I1101fs.
Identifiers: ClinVar variation 2021932 (VCV002021932.5), dbSNP rs2544126105, ClinGen allele CA2580092406.